The following is an entry in ClinVar:

ClinVar aggregate classification (germline): Uncertain significance (1 of 4 stars; one submission).

Conditions:
Catecholaminergic polymorphic ventricular tachycardia 1. Also called: RYR2-Related Catecholaminergic Polymorphic Ventricular Tachycardia; VENTRICULAR TACHYCARDIA, CATECHOLAMINERGIC POLYMORPHIC, 1, WITH OR WITHOUT ATRIAL DYSFUNCTION AND/OR DILATED CARDIOMYOPATHY; VENTRICULAR TACHYCARDIA, STRESS-INDUCED POLYMORPHIC 1. Identifiers: Orphanet 3286, MedGen C1631597, MONDO:0011484, OMIM 604772.

Submission:

Labcorp Genetics (formerly Invitae), Labcorp
Classification: Uncertain significance for Catecholaminergic polymorphic ventricular tachycardia 1. Last evaluated: 2025-08-17. Review status: criteria provided, single submitter. Criteria: Invitae Variant Classification Sherloc (09022015). Collection method: clinical testing. Allele origin: germline.
Comment: This sequence change replaces threonine, which is neutral and polar, with isoleucine, which is neutral and non-polar, at codon 372 of the CASQ2 protein (p.Thr372Ile). This variant is not present in population databases (gnomAD no frequency). This variant has not been reported in the literature in individuals affected with CASQ2-related conditions. Invitae Evidence Modeling of protein sequence and biophysical properties (such as structural, functional, and spatial information, amino acid conservation, physicochemical variation, residue mobility, and thermodynamic stability) indicates that this missense variant is not expected to disrupt CASQ2 protein function with a negative predictive value of 80%. In summary, the available evidence is currently insufficient to determine the role of this variant in disease. Therefore, it has been classified as a Variant of Uncertain Significance.

NM_001232.4(CASQ2):c.1115C>T (p.Thr372Ile)

Gene: CASQ2 (calsequestrin 2; minus strand). Cytogenetic location: 1p13.1.
Variant type: single nucleotide variant.
Coding change: c.1115C>T on transcript NM_001232.4 (MANE Select); coding-DNA position 1115, C replaced by T.
Protein change: p.Thr372Ile; replaces threonine 372 with isoleucine.
Molecular consequence: missense variant.
Genome position (GRCh38, 1-based): chr1:115,701,326, G>A on the plus strand (C>T on the coding strand, the complement: CASQ2 is on the minus strand). VCF-style: chr1-115701326-G-A. GRCh37 (hg19) VCF-style: chr1-116243947-G-A.
Other names: short protein forms T372I.
Identifiers: ClinVar variation 4705287 (VCV004705287.1).